The following is an entry in ClinVar:

ClinVar aggregate classification (germline): Uncertain significance. Review status: criteria provided, multiple submitters, no conflicts (2 of 4 stars). 2 submissions from 2 submitters: Uncertain significance (2). Last evaluated 2021-10-26.

Conditions:
Inborn genetic diseases. Identifiers: MedGen C0950123, MeSH D030342.
Mendelian susceptibility to mycobacterial diseases due to complete IL12RB1 deficiency. Also called: IL12RB1 DEFICIENCY; Immunodeficiency 30. Identifiers: Orphanet 319552, MedGen C4013949, MONDO:0013955, OMIM 614891.

Allele frequency attached by ClinVar (database versions not stated): TOPMed 0.00001; gnomAD 0.00002; gnomAD exomes 0.00003 and 0.00009; ExAC 0.00010.
gnomAD v4.1: 49 of 1,611,878 alleles (0.003%); highest among the groups gnomAD compares: South Asian, 0.04%; no homozygotes.

Submissions (2):

Ambry Genetics
Classification: Uncertain significance for Inborn genetic diseases. Last evaluated: 2021-10-26. Review status: criteria provided, single submitter. Criteria: Ambry Variant Classification Scheme 2023. Collection method: clinical testing. Allele origin: germline.

Labcorp Genetics (formerly Invitae), Labcorp
Classification: Uncertain significance for Mendelian susceptibility to mycobacterial diseases due to complete IL12RB1 deficiency. Last evaluated: 2021-08-11. Review status: criteria provided, single submitter. Criteria: Invitae Variant Classification Sherloc (09022015). Collection method: clinical testing. Allele origin: germline.
Comment: This sequence change replaces arginine with glutamine at codon 213 of the IL12RB1 protein (p.Arg213Gln). The arginine residue is highly conserved and there is a small physicochemical difference between arginine and glutamine. This variant is present in population databases (rs769192415, ExAC 0.05%). This variant has not been reported in the literature in individuals affected with IL12RB1-related conditions. Algorithms developed to predict the effect of missense changes on protein structure and function output the following: SIFT: "Tolerated"; PolyPhen-2: "Possibly Damaging"; Align-GVGD: "Class C0". The glutamine amino acid residue is found in multiple mammalian species, which suggests that this missense change does not adversely affect protein function. This variant disrupts the p.Arg213 amino acid residue in IL12RB1. Other variant(s) that disrupt this residue have been determined to be pathogenic (PMID: 11313259, 11424023, 12591909, 16293671, 21057261, 31367980). This suggests that this residue is clinically significant, and that variants that disrupt this residue are likely to be disease-causing. In summary, the available evidence is currently insufficient to determine the role of this variant in disease. Therefore, it has been classified as a Variant of Uncertain Significance.

Literature cited by the submitters: PubMed 11313259 (cited by Labcorp Genetics (formerly Invitae), Labcorp); PubMed 11424023 (cited by Labcorp Genetics (formerly Invitae), Labcorp); PubMed 12591909 (cited by Labcorp Genetics (formerly Invitae), Labcorp); PubMed 16293671 (cited by Labcorp Genetics (formerly Invitae), Labcorp); PubMed 21057261 (cited by Labcorp Genetics (formerly Invitae), Labcorp); PubMed 31367980 (cited by Labcorp Genetics (formerly Invitae), Labcorp).

NM_005535.3(IL12RB1):c.638G>A (p.Arg213Gln)

Gene: IL12RB1 (interleukin 12 receptor subunit beta 1; minus strand). Cytogenetic location: 19p13.11.
Variant type: single nucleotide variant.
Coding change: c.638G>A on transcript NM_005535.3 (MANE Select); coding-DNA position 638, G replaced by A.
Protein change: p.Arg213Gln; replaces arginine 213 with glutamine.
Molecular consequence: missense variant.
Genome position (GRCh38, 1-based): chr19:18,075,811, C>T on the plus strand (G>A on the coding strand, the complement: IL12RB1 is on the minus strand). VCF-style: chr19-18075811-C-T. GRCh37 (hg19) VCF-style: chr19-18186621-C-T.
Other names: c.638G>A, p.Arg213Gln (NM_001290023.2, NM_153701.3); c.758G>A, p.Arg253Gln (NM_001290024.2); short protein forms R213Q, R253Q.
Identifiers: ClinVar variation 1461034 (VCV001461034.4), dbSNP rs769192415, ClinGen allele CA9305130.